The following is an entry in ClinVar:

NM_000051.4(ATM):c.5195C>G (p.Ala1732Gly)

Gene: ATM (ATM serine/threonine kinase; plus strand). Cytogenetic location: 11q22.3.
Variant type: single nucleotide variant.
Coding change: c.5195C>G on transcript NM_000051.4 (MANE Select); coding-DNA position 5195, C replaced by G.
Protein change: p.Ala1732Gly; replaces alanine 1732 with glycine.
Molecular consequence: missense variant.
Genome position (GRCh38, 1-based): chr11:108,301,665, C>G. VCF-style: chr11-108301665-C-G. GRCh37 (hg19) VCF-style: chr11-108172392-C-G.
Other names: c.5195C>G, p.Ala1732Gly (NM_001351834.2); short protein forms A1732G.
Identifiers: ClinVar variation 628167 (VCV000628167.10), dbSNP rs1565476801, ClinGen allele CA382542163.
Genomic context (GRCh38, chr11:108,301,665, plus strand): 5'-AATAACTGGTGTACTTGATAGGCATTTGAATTGTTTTTTTCAGTGTCAAAGTTCGATCAG[C>G]AGCTGTTACCTGTTTGAAAAACATTTTAGCCACAAAGACTGGACATAGTTTCTGGGAGAT-3'
Protein context (NP_000042.3, residues 1722-1742): LVEDCVKVRS[Ala1732Gly]AVTCLKNILA

ClinVar aggregate classification (germline): Uncertain significance. Review status: criteria provided, multiple submitters, no conflicts (2 of 4 stars). 4 submissions from 4 submitters: Uncertain significance (4). Last evaluated 2024-12-03.

Conditions:
Familial colorectal cancer type X. Identifiers: Orphanet 440437, MedGen C3896578, MONDO:0018604.
Hereditary cancer-predisposing syndrome. Also called: Tumor predisposition; Neoplastic Syndromes, Hereditary; Hereditary Cancer Syndrome; Hereditary neoplastic syndrome. Identifiers: Orphanet 140162, MedGen C0027672, MeSH D009386, MONDO:0015356.
Ataxia-telangiectasia syndrome (AT). Also called: ATAXIA-TELANGIECTASIA, COMPLEMENTATION GROUP A; ATAXIA-TELANGIECTASIA, FRESNO VARIANT; LOUIS-BAR SYNDROME; Ataxia telangiectasia (A-T); Cerebello-oculocutaneous telangiectasia; Immunodeficiency with ataxia telangiectasia. Identifiers: Orphanet 100, MedGen C0004135, MONDO:0008840, OMIM 208900.

Allele frequency attached by ClinVar (database versions not stated): gnomAD exomes below 0.00001; gnomAD 0.00001.
gnomAD v4.1: 4 of 1,613,492 alleles (0.00025%); highest among the groups gnomAD compares: African/African-American, 0.0013%; no homozygotes.

Submissions (4):

Ambry Genetics
Classification: Uncertain significance for Hereditary cancer-predisposing syndrome. Last evaluated: 2024-12-03. Review status: criteria provided, single submitter. Criteria: Ambry Variant Classification Scheme 2023. Collection method: clinical testing. Allele origin: germline.
Comment: The p.A1732G variant (also known as c.5195C>G), located in coding exon 34 of the ATM gene, results from a C to G substitution at nucleotide position 5195. The alanine at codon 1732 is replaced by glycine, an amino acid with similar properties. This alteration has been reported in at least one subject in a study of 13087 breast cancer cases and 5488 control individuals in the UK (Decker B et al. J. Med. Genet., 2017 11;54:732-741). This amino acid position is highly conserved in available vertebrate species. In addition, the in silico prediction for this alteration is inconclusive. Since supporting evidence is limited at this time, the clinical significance of this alteration remains unclear.

Labcorp Genetics (formerly Invitae), Labcorp
Classification: Uncertain significance for Ataxia-telangiectasia syndrome. Last evaluated: 2023-06-24. Review status: criteria provided, single submitter. Criteria: Invitae Variant Classification Sherloc (09022015). Collection method: clinical testing. Allele origin: germline.
Comment: This sequence change replaces alanine, which is neutral and non-polar, with glycine, which is neutral and non-polar, at codon 1732 of the ATM protein (p.Ala1732Gly). This variant is not present in population databases (gnomAD no frequency). This variant has not been reported in the literature in individuals affected with ATM-related conditions. ClinVar contains an entry for this variant (Variation ID: 628167). An algorithm developed to predict the effect of missense changes on protein structure and function (PolyPhen-2) suggests that this variant is likely to be disruptive. In summary, the available evidence is currently insufficient to determine the role of this variant in disease. Therefore, it has been classified as a Variant of Uncertain Significance.

Department of Pathology and Laboratory Medicine, Sinai Health System
Classification: Uncertain significance for Familial colorectal cancer type X. Last evaluated: 2021-08-18. Review status: criteria provided, single submitter. Criteria: ACMG Guidelines, 2015. Collection method: clinical testing. Allele origin: germline. Affected: yes.

Color Diagnostics, LLC DBA Color Health
Classification: Uncertain significance for Hereditary cancer-predisposing syndrome. Last evaluated: 2019-04-11. Review status: criteria provided, single submitter. Criteria: ACMG Guidelines, 2015. Collection method: clinical testing. Allele origin: germline.

Literature cited by the submitters: PubMed 28779002 (cited by Ambry Genetics).